The following is an entry in ClinVar:

NM_019892.6(INPP5E):c.1064_1065insTCGTCTGCAGGACAC (p.Thr355_Leu356insArgLeuGlnAspThr)

Gene: INPP5E (inositol polyphosphate-5-phosphatase E; minus strand). Cytogenetic location: 9q34.3.
Variant type: Microsatellite.
Coding change: c.1064_1065insTCGTCTGCAGGACAC on transcript NM_019892.6 (MANE Select); coding-DNA positions 1064 to 1065, TCGTCTGCAGGACAC inserted.
Protein change: p.Thr355_Leu356insArgLeuGlnAspThr.
Molecular consequence: inframe insertion.
Genome position: GRCh38 VCF-style: chr9-136433249-C-CGTGTCCTGCAGACGA. GRCh37 (hg19) VCF-style: chr9-139327701-C-CGTGTCCTGCAGACGA.
Other names: c.1064_1065insTCGTCTGCAGGACAC, p.Thr355_Leu356insArgLeuGlnAspThr (NM_001318502.2).
Identifiers: ClinVar variation 1388967 (VCV001388967.7), dbSNP rs1835756153.

ClinVar aggregate classification (germline): Uncertain significance (1 of 4 stars; one submission).

Conditions:
Joubert syndrome. Also called: CEREBELLOPARENCHYMAL DISORDER IV; JOUBERT-BOLTSHAUSER SYNDROME; Familial aplasia of the vermis. Identifiers: Orphanet 475, MedGen C5979921, MONDO:0018772.

Submission:

Labcorp Genetics (formerly Invitae), Labcorp
Classification: Uncertain significance for Joubert syndrome. Last evaluated: 2021-08-09. Review status: criteria provided, single submitter. Criteria: Invitae Variant Classification Sherloc (09022015). Collection method: clinical testing. Allele origin: germline.
Comment: In summary, the available evidence is currently insufficient to determine the role of this variant in disease. Therefore, it has been classified as a Variant of Uncertain Significance. Algorithms developed to predict the effect of sequence changes on RNA splicing suggest that this variant may create or strengthen a splice site. Experimental studies and prediction algorithms are not available or were not evaluated, and the functional significance of this variant is currently unknown. This variant has not been reported in the literature in individuals affected with INPP5E-related conditions. This variant is not present in population databases (ExAC no frequency). This variant, c.1064_1065insTCGTCTGCAGGACAC, results in the insertion of 5 amino acid(s) to the INPP5E protein (p.Thr355_Leu356insArgLeuGlnAspThr), but otherwise preserves the integrity of the reading frame.